The following is an entry in ClinVar:

NM_004972.4(JAK2):c.3334C>G (p.Gln1112Glu)

Genes: INSL6 (insulin like 6; minus strand), JAK2 (Janus kinase 2; plus strand). Cytogenetic location: 9p24.1.
Variant type: single nucleotide variant.
Coding change: c.3334C>G on transcript NM_004972.4 (MANE Select); coding-DNA position 3334, C replaced by G.
Protein change: p.Gln1112Glu; replaces glutamine 1112 with glutamic acid.
Molecular consequence: missense variant. On other transcripts: non-coding transcript variant (2).
Genome position (GRCh38, 1-based): chr9:5,126,726, C>G. VCF-style: chr9-5126726-C-G. GRCh37 (hg19) VCF-style: chr9-5126726-C-G.
Other names: c.3334C>G, p.Gln1112Glu (NM_001322194.2, NM_001322195.2, NM_001322196.2); c.2119C>G, p.Gln707Glu (NM_001322198.2, NM_001322199.2); c.2887C>G, p.Gln963Glu (NM_001322204.2); short protein forms Q1112E, Q707E, Q963E.
Identifiers: ClinVar variation 3661577 (VCV003661577.2).
Genomic context (GRCh38, chr9:5,126,726, plus strand): 5'-TTATTTTCTCCTTTACAGATCTATATGATCATGACAGAATGCTGGAACAATAATGTAAAT[C>G]AACGCCCCTCCTTTAGGGATCTAGCTCTTCGAGTGGATCAAATAAGGGATAACATGGCTG-3'
Protein context (NP_004963.1, residues 1102-1122): MTECWNNNVN[Gln1112Glu]RPSFRDLALR

ClinVar aggregate classification (germline): Uncertain significance (1 of 4 stars; one submission).

gnomAD v4.1: 4 of 1,611,048 alleles (0.00025%); highest among the groups gnomAD compares: Non-Finnish European, 0.00034%; no homozygotes.

Submission:

Labcorp Genetics (formerly Invitae), Labcorp
Classification: Uncertain significance. Last evaluated: 2024-08-06. Review status: criteria provided, single submitter. Criteria: Invitae Variant Classification Sherloc (09022015). Collection method: clinical testing. Allele origin: germline.
Comment: This sequence change replaces glutamine, which is neutral and polar, with glutamic acid, which is acidic and polar, at codon 1112 of the JAK2 protein (p.Gln1112Glu). This variant is present in population databases (rs748829715, gnomAD 0.002%). This variant has not been reported in the literature in individuals affected with JAK2-related conditions. Advanced modeling of protein sequence and biophysical properties (such as structural, functional, and spatial information, amino acid conservation, physicochemical variation, residue mobility, and thermodynamic stability) performed at Invitae indicates that this missense variant is not expected to disrupt JAK2 protein function with a negative predictive value of 80%. In summary, the available evidence is currently insufficient to determine the role of this variant in disease. Therefore, it has been classified as a Variant of Uncertain Significance.